The following is an entry in ClinVar:

ClinVar aggregate classification (germline): Uncertain significance. Review status: criteria provided, multiple submitters, no conflicts (2 of 4 stars). 2 submissions from 2 submitters: Uncertain significance (2). Last evaluated 2026-05-19.

Conditions:
Neuroblastoma, susceptibility to, 3. Also called: ALK-Related Neuroblastic Tumor Susceptibility. Identifiers: Orphanet 635, MedGen C2751681, MONDO:0013083, OMIM 613014.
Hereditary cancer-predisposing syndrome. Also called: Hereditary Cancer Syndrome; Hereditary neoplastic syndrome; Neoplastic Syndromes, Hereditary; Tumor predisposition. Identifiers: Orphanet 140162, MedGen C0027672, MeSH D009386, MONDO:0015356.

Submissions (2):

Ambry Genetics
Classification: Uncertain significance for Hereditary cancer-predisposing syndrome. Last evaluated: 2026-05-19. Review status: criteria provided, single submitter. Criteria: Ambry Variant Classification Scheme 2023. Collection method: clinical testing. Allele origin: germline.
Comment: The p.V1471L variant (also known as c.4411G>T), located in coding exon 29 of the ALK gene, results from a G to T substitution at nucleotide position 4411. The valine at codon 1471 is replaced by leucine, an amino acid with highly similar properties. This amino acid position is conserved. In addition, this alteration is predicted to be tolerated by in silico analysis. Based on the available evidence, the clinical significance of this variant remains unclear.

Labcorp Genetics (formerly Invitae), Labcorp
Classification: Uncertain significance for Neuroblastoma, susceptibility to, 3. Last evaluated: 2025-01-14. Review status: criteria provided, single submitter. Criteria: Invitae Variant Classification Sherloc (09022015). Collection method: clinical testing. Allele origin: germline.
Comment: This sequence change replaces valine, which is neutral and non-polar, with leucine, which is neutral and non-polar, at codon 1471 of the ALK protein (p.Val1471Leu). This variant is not present in population databases (gnomAD no frequency). This variant has not been reported in the literature in individuals affected with ALK-related conditions. An algorithm developed to predict the effect of missense changes on protein structure and function (PolyPhen-2) suggests that this variant is likely to be tolerated. In summary, the available evidence is currently insufficient to determine the role of this variant in disease. Therefore, it has been classified as a Variant of Uncertain Significance.

NM_004304.5(ALK):c.4411G>T (p.Val1471Leu)

Gene: ALK (ALK receptor tyrosine kinase; minus strand). Cytogenetic location: 2p23.2.
Variant type: single nucleotide variant.
Coding change: c.4411G>T on transcript NM_004304.5 (MANE Select); coding-DNA position 4411, G replaced by T.
Protein change: p.Val1471Leu; replaces valine 1471 with leucine.
Molecular consequence: missense variant.
Genome position (GRCh38, 1-based): chr2:29,193,676, C>A on the plus strand (G>T on the coding strand, the complement: ALK is on the minus strand). VCF-style: chr2-29193676-C-A. GRCh37 (hg19) VCF-style: chr2-29416542-C-A.
Other names: c.4411G>T (NM_004304.4); c.1207G>T, p.Val403Leu (NM_001353765.2); short protein forms V403L, V1471L.
Identifiers: ClinVar variation 3708273 (VCV003708273.3).